The following is an entry in ClinVar:

ClinVar aggregate classification (germline): Uncertain significance (1 of 4 stars; one submission).

Conditions:
Breast-ovarian cancer, familial, susceptibility to, 4. Identifiers: Orphanet 145, MedGen C3280345, MONDO:0013669, OMIM 614291.

Submission:

Labcorp Genetics (formerly Invitae), Labcorp
Classification: Uncertain significance for Breast-ovarian cancer, familial, susceptibility to, 4. Last evaluated: 2018-11-22. Review status: criteria provided, single submitter. Criteria: Invitae Variant Classification Sherloc (09022015). Collection method: clinical testing. Allele origin: germline.
Comment: This sequence change replaces serine with proline at codon 287 of the RAD51D protein (p.Ser287Pro). The serine residue is weakly conserved and there is a moderate physicochemical difference between serine and proline. This variant is not present in population databases (ExAC no frequency). In summary, the available evidence is currently insufficient to determine the role of this variant in disease. Therefore, it has been classified as a Variant of Uncertain Significance. Algorithms developed to predict the effect of missense changes on protein structure and function output the following: SIFT: "Tolerated"; PolyPhen-2: "Benign"; Align-GVGD: "Class C0". The proline amino acid residue is found in multiple mammalian species, suggesting that this missense change does not adversely affect protein function. These predictions have not been confirmed by published functional studies and their clinical significance is uncertain. This variant has not been reported in the literature in individuals with RAD51D-related conditions.

NM_002878.4(RAD51D):c.859T>C (p.Ser287Pro)

Genes: RAD51L3-RFFL (RAD51L3-RFFL readthrough; minus strand), RAD51D (RAD51 paralog D; minus strand). Cytogenetic location: 17q12.
Variant type: single nucleotide variant.
Coding change: c.859T>C on transcript NM_002878.4 (MANE Select); coding-DNA position 859, T replaced by C.
Protein change: p.Ser287Pro; replaces serine 287 with proline.
Molecular consequence: missense variant. On other transcripts: non-coding transcript variant (3).
Genome position (GRCh38, 1-based): chr17:35,101,245, A>G on the plus strand (T>C on the coding strand, the complement: RAD51D is on the minus strand). VCF-style: chr17-35101245-A-G. GRCh37 (hg19) VCF-style: chr17-33428264-A-G.
Other names: c.919T>C, p.Ser307Pro (NM_001142571.2); c.523T>C, p.Ser175Pro (NM_133629.3); short protein forms S175P, S307P, S287P.
Identifiers: ClinVar variation 662153 (VCV000662153.5), dbSNP rs1597855868, ClinGen allele CA399086503.